The following is an entry in ClinVar:

ClinVar aggregate classification (germline): Uncertain significance (1 of 4 stars; one submission).

Conditions:
Ullrich congenital muscular dystrophy 2 (UCMD2). Identifiers: Orphanet 75840, MedGen C4225314, MONDO:0014654, OMIM 616470.
Bethlem myopathy 2 (BTHLM2). Identifiers: Orphanet 536516, Orphanet 610, MedGen C4225313, MONDO:0034022, OMIM 616471.

gnomAD v4.1: 3 of 1,595,558 alleles (0.00019%); highest among the groups gnomAD compares: East Asian, 0.0022%; no homozygotes.

Submission:

Labcorp Genetics (formerly Invitae), Labcorp
Classification: Uncertain significance for Bethlem myopathy 2; Ullrich congenital muscular dystrophy 2. Last evaluated: 2024-11-19. Review status: criteria provided, single submitter. Criteria: Invitae Variant Classification Sherloc (09022015). Collection method: clinical testing. Allele origin: germline.
Comment: This sequence change replaces glutamic acid, which is acidic and polar, with lysine, which is basic and polar, at codon 1520 of the COL12A1 protein (p.Glu1520Lys). This variant is not present in population databases (gnomAD no frequency). This variant has not been reported in the literature in individuals affected with COL12A1-related conditions. An algorithm developed to predict the effect of missense changes on protein structure and function (PolyPhen-2) suggests that this variant is likely to be disruptive. In summary, the available evidence is currently insufficient to determine the role of this variant in disease. Therefore, it has been classified as a Variant of Uncertain Significance.

NM_004370.6(COL12A1):c.4558G>A (p.Glu1520Lys)

Gene: COL12A1 (collagen type XII alpha 1 chain; minus strand). Cytogenetic location: 6q13.
Variant type: single nucleotide variant.
Coding change: c.4558G>A on transcript NM_004370.6 (MANE Select); coding-DNA position 4558, G replaced by A.
Protein change: p.Glu1520Lys; replaces glutamic acid 1520 with lysine.
Molecular consequence: missense variant.
Genome position (GRCh38, 1-based): chr6:75,146,104, C>T on the plus strand (G>A on the coding strand, the complement: COL12A1 is on the minus strand). VCF-style: chr6-75146104-C-T. GRCh37 (hg19) VCF-style: chr6-75855820-C-T.
Other names: c.4558G>A, p.Glu1520Lys (NM_001424113.1, NM_001424114.1); c.4285G>A, p.Glu1429Lys (NM_001424115.1); c.1066G>A, p.Glu356Lys (NM_001424116.1, NM_080645.3); short protein forms E1429K, E1520K, E356K.
Identifiers: ClinVar variation 3763477 (VCV003763477.2).
Genomic context (GRCh38, chr6:75,146,104, plus strand): 5'-ACTATAAAGCTATAAAGTCTTGGGAAGACCCAATGTTAAAGAAACAAACATCTTTCACCT[C>T]TTTGGGTCTTGTTGGCTCTGTGTCCTTAACAGGTTTGTATGACAAGATGTAGCCAGTAGC-3'
Protein context (NP_004361.3, residues 1510-1530): VKDTEPTRPK[Glu1520Lys]VRLGPTVNDM